The following is an entry in ClinVar:

NM_014994.3(MAPKBP1):c.3643C>A (p.Leu1215Met)

Gene: MAPKBP1 (mitogen-activated protein kinase binding protein 1; plus strand). Cytogenetic location: 15q15.1.
Variant type: single nucleotide variant.
Coding change: c.3643C>A on transcript NM_014994.3 (MANE Select); coding-DNA position 3643, C replaced by A.
Protein change: p.Leu1215Met; replaces leucine 1215 with methionine.
Molecular consequence: missense variant. On other transcripts: non-coding transcript variant (2), intron variant (1).
Genome position (GRCh38, 1-based): chr15:41,823,491, C>A. VCF-style: chr15-41823491-C-A. GRCh37 (hg19) VCF-style: chr15-42115689-C-A.
Other names: c.3661C>A, p.Leu1221Met (NM_001128608.2); c.3382+485C>A (NM_001265611.2); c.3661C>A (NM_001128608.1); short protein forms L1221M, L1215M.
Identifiers: ClinVar variation 2184459 (VCV002184459.7), dbSNP rs371924542, ClinGen allele CA7498634.
Genomic context (GRCh38, chr15:41,823,491, plus strand): 5'-TCTGTCTCCTTTGCAGAAAGACATGAGGCCAGTCTGCAGGCCCCTTCACCAGGCGCACTG[C>A]TGTCTCGGGAGATCGAAGCTCAGGATGGTCTGGGCTCCCTGCCCCCAGCTGATGGCCGTC-3'
Protein context (NP_055809.2, residues 1205-1225): SLQAPSPGAL[Leu1215Met]SREIEAQDGL

ClinVar aggregate classification (germline): Uncertain significance. Review status: criteria provided, multiple submitters, no conflicts (2 of 4 stars). 2 submissions from 2 submitters: Uncertain significance (2). Last evaluated 2025-08-12.

Conditions:
Inborn genetic diseases. Identifiers: MedGen C0950123, MeSH D030342.

Allele frequency attached by ClinVar (database versions not stated): gnomAD exomes 0.00001; ExAC 0.00003; ESP Exome Variant Server 0.00008.
gnomAD v4.1: 21 of 1,613,948 alleles (0.0013%); highest among the groups gnomAD compares: Admixed American, 0.0083%; no homozygotes.

Submissions (2):

Ambry Genetics
Classification: Uncertain significance for Inborn genetic diseases. Last evaluated: 2025-08-12. Review status: criteria provided, single submitter. Criteria: Ambry Variant Classification Scheme 2023. Collection method: clinical testing. Allele origin: germline.

Labcorp Genetics (formerly Invitae), Labcorp
Classification: Uncertain significance. Last evaluated: 2022-04-14. Review status: criteria provided, single submitter. Criteria: Invitae Variant Classification Sherloc (09022015). Collection method: clinical testing. Allele origin: germline.
Comment: In summary, the available evidence is currently insufficient to determine the role of this variant in disease. Therefore, it has been classified as a Variant of Uncertain Significance. Algorithms developed to predict the effect of missense changes on protein structure and function (SIFT, PolyPhen-2, Align-GVGD) all suggest that this variant is likely to be tolerated. This variant has not been reported in the literature in individuals affected with MAPKBP1-related conditions. This variant is present in population databases (rs371924542, gnomAD 0.04%). This sequence change replaces leucine, which is neutral and non-polar, with methionine, which is neutral and non-polar, at codon 1221 of the MAPKBP1 protein (p.Leu1221Met).